The following is an entry in ClinVar:

NM_002474.3(MYH11):c.4773G>A (p.Arg1591=)

Genes: MYH11 (myosin heavy chain 11; minus strand), NDE1 (nudE neurodevelopment protein 1; plus strand). Cytogenetic location: 16p13.11.
Variant type: single nucleotide variant.
Coding change: c.4773G>A on transcript NM_002474.3 (MANE Select); coding-DNA position 4773, G replaced by A.
Protein change: p.Arg1591=; no amino-acid change (arginine 1591 retained).
Molecular consequence: synonymous variant. On other transcripts: intron variant (2).
Genome position (GRCh38, 1-based): chr16:15,720,857, C>T on the plus strand (G>A on the coding strand, the complement: MYH11 is on the minus strand). VCF-style: chr16-15720857-C-T. GRCh37 (hg19) VCF-style: chr16-15814714-C-T.
Other names: c.4794G>A, p.Arg1598= (NM_001040113.2, NM_001040114.2); c.4773G>A, p.Arg1591= (NM_022844.3); c.948-3334C>T (NM_001143979.2, NM_017668.3).
Identifiers: ClinVar variation 629615 (VCV000629615.40), dbSNP rs747923542, ClinGen allele CA7921569.

ClinVar aggregate classification (germline): Likely benign. Review status: criteria provided, multiple submitters, no conflicts (2 of 4 stars). 7 submissions from 7 submitters: Likely benign (7). Last evaluated 2026-09-21.

Conditions:
Aortic aneurysm, familial thoracic 4 (AAT4). Also called: AORTIC ANEURYSM/AORTIC DISSECTION AND PATENT DUCTUS ARTERIOSUS. Identifiers: MedGen C1851504, MONDO:0007568, OMIM 132900.
Familial thoracic aortic aneurysm and aortic dissection (TAAD). Also called: Thoracic aortic aneurysms and dissections. Identifiers: Orphanet 91387, MedGen C4707243, MONDO:0019625.

Allele frequency attached by ClinVar (database versions not stated): TOPMed 0.00001; ExAC 0.00005; gnomAD exomes 0.00005.
gnomAD v4.1: 30 of 1,613,640 alleles (0.0019%); highest among the groups gnomAD compares: Middle Eastern, 0.017%; no homozygotes.

Submissions (7):

Molecular Diagnostic Laboratory for Inherited Cardiovascular Disease, Montreal Heart Institute
Classification: Likely benign. Last evaluated: 2026-09-21. Review status: criteria provided, single submitter. Criteria: ACMG Guidelines, 2015. Collection method: clinical testing. Allele origin: germline. Affected: no.
Comment: BS1;BP7

Labcorp Genetics (formerly Invitae), Labcorp
Classification: Likely benign for Aortic aneurysm, familial thoracic 4. Last evaluated: 2025-12-21. Review status: criteria provided, single submitter. Criteria: Invitae Variant Classification Sherloc (09022015). Collection method: clinical testing. Allele origin: germline.

CeGaT Center for Human Genetics Tuebingen
Classification: Likely benign. Last evaluated: 2025-10-01. Review status: criteria provided, single submitter. Criteria: CeGaT Center For Human Genetics Tuebingen Variant Classification Criteria Version 2. Collection method: clinical testing. Allele origin: germline. Affected: yes. Observed: 5 variant alleles.
Comment: MYH11: BP4, BP7

All of Us Research Program, National Institutes of Health
Classification: Likely benign for Familial thoracic aortic aneurysm and aortic dissection. Last evaluated: 2024-01-11. Review status: criteria provided, single submitter. Criteria: ACMG Guidelines, 2015. Collection method: clinical testing. Allele origin: germline. Inheritance: Autosomal dominant inheritance. Observed: 7 variant alleles, 7 heterozygotes.
Comment: This study involves interpretation of variants in research participants for the purpose of population health screening. Participant phenotype was not available at the time of variant classification. Additional details can be found in publication PMID: 35346344, PMCID: PMC8962531

Blueprint Genetics
Classification: Likely benign. Last evaluated: 2023-04-21. Review status: criteria provided, single submitter. Criteria: ACMG Guidelines, 2015. Collection method: clinical testing. Allele origin: germline.

Ambry Genetics
Classification: Likely benign for Familial thoracic aortic aneurysm and aortic dissection. Last evaluated: 2020-09-06. Review status: criteria provided, single submitter. Criteria: Ambry Variant Classification Scheme 2023. Collection method: clinical testing. Allele origin: germline.

Color Diagnostics, LLC DBA Color Health
Classification: Likely benign for Familial thoracic aortic aneurysm and aortic dissection. Last evaluated: 2018-10-16. Review status: criteria provided, single submitter. Criteria: ACMG Guidelines, 2015. Collection method: clinical testing. Allele origin: germline.